The following is an entry in ClinVar:

ClinVar aggregate classification (germline): Pathogenic/Likely pathogenic. Review status: criteria provided, multiple submitters, no conflicts (2 of 4 stars). 10 submissions from 10 submitters: Pathogenic (7); Likely pathogenic (2). 1 of the submissions does not count toward it. Last evaluated 2025-05-20.

Conditions:
MYO6-related disorder. Also called: MYO6-related condition; MYO6-related disorders.
Rare genetic deafness. Identifiers: Orphanet 96210, MedGen C5680250.
Inborn genetic diseases. Identifiers: MedGen C0950123, MeSH D030342.
Autosomal recessive nonsyndromic hearing loss 37. Identifiers: Orphanet 90636, MedGen C1843028, MONDO:0011912, OMIM 607821.
Autosomal dominant nonsyndromic hearing loss 22. Also called: Autosomal dominant nonsyndromic deafness 22; DFNA 22. Identifiers: Orphanet 228012, MedGen C2931767, MONDO:0011660, OMIM 606346.

Allele frequency attached by ClinVar (database versions not stated): gnomAD exomes 0.00001 and 0.00002; TOPMed 0.00002; ExAC 0.00003.

Submissions (10):

GeneDx
Classification: Likely pathogenic. Last evaluated: 2025-05-20. Review status: criteria provided, single submitter. Criteria: GeneDx Variant Classification Process June 2021. Collection method: clinical testing. Allele origin: germline. Affected: yes.
Comment: Identified in patients with hearing loss referred for genetic testing at GeneDx and in published literature (PMID: 26969326, 35982127); Nonsense variant predicted to result in protein truncation or nonsense mediated decay in a gene for which loss of function is a known mechanism of disease; This variant is associated with the following publications: (PMID: 29044474, 26969326, 31589614, 35982127, 39640791)

PreventionGenetics, part of Exact Sciences
Classification: Pathogenic for MYO6-related condition. Last evaluated: 2024-10-30. Review status: criteria provided, single submitter. Criteria: ACMG Guidelines, 2015. Collection method: clinical testing. Allele origin: germline.
Comment: The MYO6 c.826C>T variant is predicted to result in premature protein termination (p.Arg276*). This variant was reported in two individuals with hearing loss (Table S3, Sloan-Heggen et al. 2016. PubMed ID: 26969326; Table S5, Wu et al. 2022. PubMed ID: 35982127). This variant is reported in 0.0087% of alleles in individuals of Latino descent in gnomAD. Nonsense variants in MYO6 are expected to be pathogenic. This variant is interpreted as pathogenic.

Labcorp Genetics (formerly Invitae), Labcorp
Classification: Pathogenic. Last evaluated: 2024-02-24. Review status: criteria provided, single submitter. Criteria: Invitae Variant Classification Sherloc (09022015). Collection method: clinical testing. Allele origin: germline.
Comment: This sequence change creates a premature translational stop signal (p.Arg276*) in the MYO6 gene. It is expected to result in an absent or disrupted protein product. Loss-of-function variants in MYO6 are known to be pathogenic (PMID: 12687499, 18348273, 23767834, 25999546, 30582396). This variant is present in population databases (rs727503326, gnomAD 0.009%). This premature translational stop signal has been observed in individual(s) with deafness (PMID: 26969326). ClinVar contains an entry for this variant (Variation ID: 164634). Algorithms developed to predict the effect of sequence changes on RNA splicing suggest that this variant may disrupt the consensus splice site. For these reasons, this variant has been classified as Pathogenic.

Ambry Genetics
Classification: Pathogenic for Inborn genetic diseases. Last evaluated: 2023-11-21. Review status: criteria provided, single submitter. Criteria: Ambry Variant Classification Scheme 2023. Collection method: clinical testing. Allele origin: germline.
Comment: The c.826C>T (p.R276*) alteration, located in exon 10 (coding exon 9) of the MYO6 gene, consists of a C to T substitution at nucleotide position 826. This changes the amino acid from a arginine (R) to a stop codon at amino acid position 276. This alteration is expected to result in loss of function by premature protein truncation or nonsense-mediated mRNA decay. Based on data from gnomAD, the T allele has an overall frequency of 0.002% (4/251012) total alleles studied. The highest observed frequency was 0.009% (3/34560) of Latino alleles. This variant has been reported in one individual with a personal and family history of hearing loss (Wu, 2022). Based on the available evidence, this alteration is classified as pathogenic.

3billion
Classification: Pathogenic for Autosomal recessive nonsyndromic hearing loss 37. Last evaluated: 2022-05-22. Review status: criteria provided, single submitter. Criteria: ACMG Guidelines, 2015. Collection method: clinical testing. Allele origin: germline. Affected: yes. Observed: 1 heterozygote.
Comment: The variant is observed at an extremely low frequency in the gnomAD v2.1.1 dataset (total allele frequency: 0.002%). Stop-gained (nonsense): predicted to result in a loss or disruption of normal protein function through nonsense-mediated decay (NMD) or protein truncation. Multiple pathogenic variants are reported downstream of the variant. The variant has been reported at least twice as pathogenic without evidence for the classification (ClinVar ID: VCV000164634 / PMID: 26969326). Therefore, this variant is classified as pathogenic according to the recommendation of ACMG/AMP guideline.

AiLife Diagnostics
Classification: Likely pathogenic. Last evaluated: 2022-01-05. Review status: criteria provided, single submitter. Criteria: ACMG Guidelines, 2015. Collection method: clinical testing. Allele origin: germline. Affected: yes. Observed: 2 variant alleles.

Fulgent Genetics
Classification: Pathogenic for Autosomal dominant nonsyndromic hearing loss 22; Autosomal recessive nonsyndromic hearing loss 37. Last evaluated: 2018-10-31. Review status: criteria provided, single submitter. Criteria: ACMG Guidelines, 2015. Collection method: clinical testing. Allele origin: unknown.

Eurofins Ntd Llc (ga)
Classification: Pathogenic. Last evaluated: 2017-05-10. Review status: criteria provided, single submitter. Criteria: EGL Classification Definitions 2015. Collection method: clinical testing. Allele origin: germline. Observed: 1 variant allele, 1 heterozygote.

Laboratory for Molecular Medicine, Mass General Brigham Personalized Medicine
Classification: Pathogenic for Rare genetic deafness. Last evaluated: 2014-01-27. Review status: criteria provided, single submitter. Criteria: LMM Criteria. Collection method: clinical testing. Allele origin: germline. Inheritance: Autosomal recessive inheritance. Observed: 1 variant allele.
Comment: The Arg276X variant in MYO6 has not been previously reported in individuals with hearing loss or in large population studies. This variant introduces a prematur e stop codon at position 276 leading to either a truncated or absent protein. I n summary, this variant meets our criteria for pathogenicity.

Equipe Genetique des Anomalies du Developpement, Université de Bourgogne
Classification: Pathogenic for Autosomal dominant nonsyndromic hearing loss 22. Last evaluated: 2021-10-27. Review status: no assertion criteria provided. Criteria: ACMG Guidelines, 2024. Collection method: clinical testing. Allele origin: paternal. Affected: yes. Not counted in ClinVar's aggregate classification.

Literature cited by the submitters: PubMed 12687499 (cited by Labcorp Genetics (formerly Invitae), Labcorp); PubMed 18348273 (cited by Labcorp Genetics (formerly Invitae), Labcorp); PubMed 23767834 (cited by Labcorp Genetics (formerly Invitae), Labcorp); PubMed 25999546 (cited by Labcorp Genetics (formerly Invitae), Labcorp); PubMed 30582396 (cited by Labcorp Genetics (formerly Invitae), Labcorp); PubMed 26969326 (cited by 3 submitters); PubMed 35982127 (cited by Ambry Genetics); PubMed 31589614 (cited by AiLife Diagnostics).

NM_004999.4(MYO6):c.826C>T (p.Arg276Ter)

Gene: MYO6 (myosin VI; plus strand). Cytogenetic location: 6q14.1.
Variant type: single nucleotide variant.
Coding change: c.826C>T on transcript NM_004999.4 (MANE Select); coding-DNA position 826, C replaced by T.
Protein change: p.Arg276Ter; replaces arginine 276 with a stop codon.
Molecular consequence: nonsense. On other transcripts: non-coding transcript variant (1).
Genome position (GRCh38, 1-based): chr6:75,844,906, C>T. VCF-style: chr6-75844906-C-T. GRCh37 (hg19) VCF-style: chr6-76554623-C-T.
Other names: c.826C>T (LRG_438t1); c.826C>T, p.Arg276Ter (NM_001300899.2, NM_001368136.1, NM_001368137.1 and 2 more transcripts); c.811C>T, p.Arg271Ter (NM_001368138.1); short protein forms R276*, R271*.
Identifiers: ClinVar variation 164634 (VCV000164634.25), dbSNP rs727503326, ClinGen allele CA273207.